The following is an entry in ClinVar:

NM_004385.5(VCAN):c.5656G>C (p.Val1886Leu)

Genes: VCAN-AS1 (VCAN antisense RNA 1; minus strand), VCAN (versican; plus strand). Cytogenetic location: 5q14.3.
Variant type: single nucleotide variant.
Coding change: c.5656G>C on transcript NM_004385.5 (MANE Select); coding-DNA position 5656, G replaced by C.
Protein change: p.Val1886Leu; replaces valine 1886 with leucine.
Molecular consequence: missense variant. On other transcripts: intron variant (2).
Genome position (GRCh38, 1-based): chr5:83,538,659, G>C. VCF-style: chr5-83538659-G-C. GRCh37 (hg19) VCF-style: chr5-82834478-G-C.
Other names: c.2695G>C, p.Val899Leu (NM_001164097.2); c.4004-6878G>C (NM_001164098.2); c.1043-6878G>C (NM_001126336.3); c.5656G>C (NM_004385.4); short protein forms V899L, V1886L.
Identifiers: ClinVar variation 2988402 (VCV002988402.4), dbSNP rs145239579, ClinGen allele CA3333363.

ClinVar aggregate classification (germline): Uncertain significance. Review status: criteria provided, multiple submitters, no conflicts (2 of 4 stars). 2 submissions from 2 submitters: Uncertain significance (2). Last evaluated 2025-06-06.

Conditions:
Inborn genetic diseases. Identifiers: MedGen C0950123, MeSH D030342.

gnomAD v4.1: 17 of 1,614,092 alleles (0.0011%); highest among the groups gnomAD compares: South Asian, 0.011%; no homozygotes.

Submissions (2):

Ambry Genetics
Classification: Uncertain significance for Inborn genetic diseases. Last evaluated: 2025-06-06. Review status: criteria provided, single submitter. Criteria: Ambry Variant Classification Scheme 2023. Collection method: clinical testing. Allele origin: germline.

Labcorp Genetics (formerly Invitae), Labcorp
Classification: Uncertain significance. Last evaluated: 2025-01-12. Review status: criteria provided, single submitter. Criteria: Invitae Variant Classification Sherloc (09022015). Collection method: clinical testing. Allele origin: germline.
Comment: This sequence change replaces valine, which is neutral and non-polar, with leucine, which is neutral and non-polar, at codon 1886 of the VCAN protein (p.Val1886Leu). This variant is present in population databases (rs145239579, gnomAD 0.01%). This variant has not been reported in the literature in individuals affected with VCAN-related conditions. ClinVar contains an entry for this variant (Variation ID: 2988402). An algorithm developed to predict the effect of missense changes on protein structure and function outputs the following: PolyPhen-2: "Benign". The leucine amino acid residue is found in multiple mammalian species, which suggests that this missense change does not adversely affect protein function. In summary, the available evidence is currently insufficient to determine the role of this variant in disease. Therefore, it has been classified as a Variant of Uncertain Significance.